The following is an entry in ClinVar:

ClinVar aggregate classification (germline): Conflicting classifications of pathogenicity. Review status: criteria provided, conflicting classifications (1 of 4 stars). 2 submissions from 2 submitters: Likely pathogenic (1); Uncertain significance (1). Last evaluated 2026-07-02.

Conditions:
Melanoma-pancreatic cancer syndrome. Identifiers: Orphanet 404560, MedGen C1838547, MONDO:0011713, OMIM 606719. Disease mechanism: loss of function.
Familial melanoma. Also called: Hereditary melanoma; Hereditary cutaneous melanoma. Identifiers: Orphanet 618, MedGen C1512419, MONDO:0018961.

Submissions (2):

Myriad Genetics, Inc.
Classification: Likely pathogenic for Melanoma-pancreatic cancer syndrome. Last evaluated: 2026-07-02. Review status: criteria provided, single submitter. Criteria: Myriad Autosomal Dominant, Autosomal Recessive and X-Linked Classification Criteria (2023). Collection method: clinical testing. Allele origin: unknown.
Comment: This variant is considered likely pathogenic. This variant is expected to disrupt protein structure [Myriad internal data]. Functional studies indicate this variant impacts protein function [PMID: 7777061, 8668202, 40238651, 8910511, 9917418].

Labcorp Genetics (formerly Invitae), Labcorp
Classification: Uncertain significance for Familial melanoma. Last evaluated: 2024-04-07. Review status: criteria provided, single submitter. Criteria: Invitae Variant Classification Sherloc (09022015). Collection method: clinical testing. Allele origin: germline.
Comment: The CDKN2A gene encodes two different proteins, p16INK4a and p14ARF, which are translated from alternative transcripts with different open reading frames. Both transcripts have been analyzed. We report either the variant with the higher classification or default to the CDKN2A (p16INK4a) variant. This report therefore includes the details for the CDKN2A (p16INK4a) variant. This sequence change replaces histidine, which is basic and polar, with proline, which is neutral and non-polar, at codon 98 of the CDKN2A (p16INK4a) protein (p.His98Pro). This variant is not present in population databases (gnomAD no frequency). This variant has not been reported in the literature in individuals affected with CDKN2A (p16INK4a)-related conditions. An algorithm developed to predict the effect of missense changes on protein structure and function (PolyPhen-2) suggests that this variant is likely to be disruptive. Experimental studies have shown that this missense change affects CDKN2A (p16INK4a) function (PMID: 8668202, 8910511, 21462282). In summary, the available evidence is currently insufficient to determine the role of this variant in disease. Therefore, it has been classified as a Variant of Uncertain Significance.

Literature cited by the submitters: PubMed 7777061 (cited by Myriad Genetics, Inc.); PubMed 8668202 (cited by Myriad Genetics, Inc. and Labcorp Genetics (formerly Invitae), Labcorp); PubMed 40238651 (cited by Myriad Genetics, Inc.); PubMed 8910511 (cited by Myriad Genetics, Inc. and Labcorp Genetics (formerly Invitae), Labcorp); PubMed 9917418 (cited by Myriad Genetics, Inc.); PubMed 21462282 (cited by Labcorp Genetics (formerly Invitae), Labcorp).

NM_000077.5(CDKN2A):c.293A>C (p.His98Pro)

Gene: CDKN2A (cyclin dependent kinase inhibitor 2A; minus strand). Cytogenetic location: 9p21.3.
Variant type: single nucleotide variant.
Coding change: c.293A>C on transcript NM_000077.5; coding-DNA position 293, A replaced by C.
Protein change: p.His98Pro; replaces histidine 98 with proline.
Molecular consequence: synonymous variant (on NM_058195.4). On other transcripts: 3 prime UTR variant (1), missense variant (3).
Genome position (GRCh38, 1-based): chr9:21,971,066, T>G on the plus strand (A>C on the coding strand, the complement: CDKN2A is on the minus strand). VCF-style: chr9-21971066-T-G. GRCh37 (hg19) VCF-style: chr9-21971065-T-G.
Other names: c.336A>C, p.Ala112= (NM_058195.4); c.*216A>C (NM_058197.5); c.293A>C, p.His98Pro (NM_000077.6, NM_001195132.2); c.140A>C, p.His47Pro (NM_001363763.2); short protein forms H47P, H98P.
Identifiers: ClinVar variation 3649063 (VCV003649063.3).